The following is an entry in ClinVar:

ClinVar aggregate classification (germline): Benign. Review status: criteria provided, multiple submitters, no conflicts (2 of 4 stars). 3 submissions from 3 submitters: Benign (3). Last evaluated 2018-06-23.

Conditions:
Neuronal ceroid lipofuscinosis 1 (CLN1). Also called: PPT1-Related Neuronal Ceroid-Lipofuscinosis; CEROID LIPOFUSCINOSIS, NEURONAL, 1, VARIABLE AGE AT ONSET. Identifiers: Orphanet 228329, MedGen C1850451, MONDO:0009744, OMIM 256730.

Allele frequency attached by ClinVar (database versions not stated): TOPMed 0.08204; gnomAD 0.08852; 1000 Genomes Project 30x 0.10290; 1000 Genomes Project 0.11382.

Submissions (3):

GeneDx
Classification: Benign. Last evaluated: 2018-06-23. Review status: criteria provided, single submitter. Criteria: GeneDx Variant Classification Process June 2021. Collection method: clinical testing. Allele origin: germline. Affected: yes.

Illumina Laboratory Services, Illumina
Classification: Benign for Neuronal ceroid lipofuscinosis 1. Last evaluated: 2018-01-13. Review status: criteria provided, single submitter. Criteria: ICSL Variant Classification Criteria 13 December 2019. Collection method: clinical testing. Allele origin: germline.
Comment: This variant was observed in the ICSL laboratory as part of a predisposition screen in an ostensibly healthy population. It had not been previously curated by ICSL or reported in the Human Gene Mutation Database (HGMD: prior to June 1st, 2018), and was therefore a candidate for classification through an automated scoring system. Utilizing variant allele frequency, disease prevalence and penetrance estimates, and inheritance mode, an automated score was calculated to assess if this variant is too frequent to cause the disease. Based on the score and internal cut-off values, a variant classified as benign is not then subjected to further curation. The score for this variant resulted in a classification of benign for this disease.

Breakthrough Genomics
Classification: Benign. Review status: criteria provided, single submitter. Criteria: ACMG Guidelines, 2015. Collection method: not provided. Allele origin: germline. Inheritance: Autosomal recessive inheritance. Affected: yes.

NM_000310.3(PPT1):c.-109C>A

Gene: PPT1 (palmitoyl-protein thioesterase 1; minus strand). Cytogenetic location: 1p34.2.
Variant type: single nucleotide variant.
Coding change: c.-109C>A on transcript NM_000310.3; 109 bases upstream of the start codon, C replaced by A.
Genome position (GRCh38, 1-based): chr1:40,097,347, G>T on the plus strand (C>A on the coding strand, the complement: PPT1 is on the minus strand). VCF-style: chr1-40097347-G-T. GRCh37 (hg19) VCF-style: chr1-40563019-G-T.
Identifiers: ClinVar variation 297251 (VCV000297251.10), dbSNP rs41301070, ClinGen allele CA10611136.